The following is an entry in ClinVar:

NM_002439.5(MSH3):c.1231C>T (p.Arg411Cys)

Gene: MSH3 (mutS homolog 3; plus strand). Cytogenetic location: 5q14.1.
Variant type: single nucleotide variant.
Coding change: c.1231C>T on transcript NM_002439.5 (MANE Select); coding-DNA position 1231, C replaced by T.
Protein change: p.Arg411Cys; replaces arginine 411 with cysteine.
Molecular consequence: missense variant.
Genome position (GRCh38, 1-based): chr5:80,678,984, C>T. VCF-style: chr5-80678984-C-T. GRCh37 (hg19) VCF-style: chr5-79974803-C-T.
Other names: short protein forms R411C.
Identifiers: ClinVar variation 649245 (VCV000649245.16), dbSNP rs199659527, ClinGen allele CA121297224.

ClinVar aggregate classification (germline): Uncertain significance. Review status: criteria provided, multiple submitters, no conflicts (2 of 4 stars). 6 submissions from 6 submitters: Uncertain significance (6). Last evaluated 2025-09-10.

Conditions:
Hereditary cancer-predisposing syndrome. Also called: Neoplastic Syndromes, Hereditary; Tumor predisposition; Hereditary Cancer Syndrome; Hereditary neoplastic syndrome. Identifiers: Orphanet 140162, MedGen C0027672, MeSH D009386, MONDO:0015356.
Endometrial carcinoma. Also called: Endometrial carcinoma, somatic. Identifiers: MedGen C0476089, MONDO:0002447, OMIM 608089, HP:0012114.

Allele frequency attached by ClinVar (database versions not stated): gnomAD 0.00001 and 0.00002; gnomAD exomes 0.00003; TOPMed 0.00003; 1000 Genomes Project 30x 0.00016; 1000 Genomes Project 0.00020.
gnomAD v4.1: 40 of 1,614,156 alleles (0.0025%); highest among the groups gnomAD compares: African/African-American, 0.004%; no homozygotes.

Submissions (6):

Labcorp Genetics (formerly Invitae), Labcorp
Classification: Uncertain significance. Last evaluated: 2025-09-10. Review status: criteria provided, single submitter. Criteria: Invitae Variant Classification Sherloc (09022015). Collection method: clinical testing. Allele origin: germline.
Comment: This sequence change replaces arginine, which is basic and polar, with cysteine, which is neutral and slightly polar, at codon 411 of the MSH3 protein (p.Arg411Cys). This variant is present in population databases (rs199659527, gnomAD 0.02%). This variant has not been reported in the literature in individuals affected with MSH3-related conditions. ClinVar contains an entry for this variant (Variation ID: 649245). An algorithm developed to predict the effect of missense changes on protein structure and function (PolyPhen-2) suggests that this variant is likely to be disruptive. In summary, the available evidence is currently insufficient to determine the role of this variant in disease. Therefore, it has been classified as a Variant of Uncertain Significance.

Quest Diagnostics Nichols Institute San Juan Capistrano
Classification: Uncertain significance. Last evaluated: 2024-12-31. Review status: criteria provided, single submitter. Criteria: Quest Diagnostics criteria. Collection method: clinical testing. Allele origin: unknown.
Comment: The MSH3 c.1231C>T (p.Arg411Cys) variant has not been reported in individuals with MSH3-related conditions in the published literature. The frequency of this variant in the general population (Genome Aggregation Database) is uninformative in the assessment of its pathogenicity. Analysis of this variant using bioinformatics tools for the prediction of the effect of amino acid changes on protein structure and function yielded conflicting predictions that this variant is benign or damaging. Based on the available information, we are unable to determine the clinical significance of this variant.

GeneDx
Classification: Uncertain significance. Last evaluated: 2024-11-25. Review status: criteria provided, single submitter. Criteria: GeneDx Variant Classification Process June 2021. Collection method: clinical testing. Allele origin: germline. Affected: yes.
Comment: In silico analysis supports that this missense variant has a deleterious effect on protein structure/function; Identified in a cohort of individuals with multiple myeloma (PMID: 28404951); This variant is associated with the following publications: (PMID: 32682410, 28404951)

Ambry Genetics
Classification: Uncertain significance for Hereditary cancer-predisposing syndrome. Last evaluated: 2024-08-30. Review status: criteria provided, single submitter. Criteria: Ambry Variant Classification Scheme 2023. Collection method: clinical testing. Allele origin: germline.
Comment: The p.R411C variant (also known as c.1231C>T), located in coding exon 8 of the MSH3 gene, results from a C to T substitution at nucleotide position 1231. The arginine at codon 411 is replaced by cysteine, an amino acid with highly dissimilar properties. This amino acid position is highly conserved in available vertebrate species. In addition, this alteration is predicted to be deleterious by in silico analysis. Based on the available evidence, the clinical significance of this variant remains unclear.

Baylor Genetics
Classification: Uncertain significance for Endometrial carcinoma. Last evaluated: 2024-03-05. Review status: criteria provided, single submitter. Criteria: ACMG Guidelines, 2015. Collection method: clinical testing. Allele origin: unknown.

Sema4
Classification: Uncertain significance for Hereditary cancer-predisposing syndrome. Last evaluated: 2021-07-26. Review status: criteria provided, single submitter. Criteria: Sema4 Curation Guidelines. Collection method: curation. Allele origin: germline.
Comment: The MSH3 c.1231C>T (p.R411C) variant has not been reported in the literature to our knowledge. It was observed in 2/8716 chromosomes of the African subpopulation in the large and broad cohorts of the Genome Aggregation Database (PMID: 32461654) and has been reported in ClinVar (Variation ID 649245). Functional studies have not been performed and in silico tool predictions of the variants effect on protein function suggest a deleterious effect. The evidence is insufficient to meet ACMG/AMP criteria for classifying the variant as benign or pathogenic. Thus, the clinical significance of this variant is currently uncertain.